The following is an entry in ClinVar:

NM_001378454.1(ALMS1):c.6612G>C (p.Arg2204Ser)

Gene: ALMS1 (ALMS1 centrosome and basal body associated protein; plus strand). Cytogenetic location: 2p13.1.
Variant type: single nucleotide variant.
Coding change: c.6612G>C on transcript NM_001378454.1 (MANE Select); coding-DNA position 6612, G replaced by C.
Protein change: p.Arg2204Ser; replaces arginine 2204 with serine.
Molecular consequence: missense variant.
Genome position (GRCh38, 1-based): chr2:73,453,139, G>C. VCF-style: chr2-73453139-G-C. GRCh37 (hg19) VCF-style: chr2-73680266-G-C.
Other names: c.6615G>C, p.Arg2205Ser (NM_015120.4); short protein forms R2204S, R2205S.
Identifiers: ClinVar variation 1494805 (VCV001494805.8), dbSNP rs758379924, ClinGen allele CA1714092.

ClinVar aggregate classification (germline): Uncertain significance. Review status: criteria provided, multiple submitters, no conflicts (2 of 4 stars). 3 submissions from 3 submitters: Uncertain significance (3). Last evaluated 2025-10-15.

Conditions:
Alstrom syndrome (ALMS). Identifiers: Orphanet 64, MedGen C0268425, MONDO:0008763, OMIM 203800.
Cardiovascular phenotype. Identifiers: MedGen CN230736.

Allele frequency attached by ClinVar (database versions not stated): ExAC 0.00002.
gnomAD v4.1: 13 of 1,613,968 alleles (0.00081%); highest among the groups gnomAD compares: Middle Eastern, 0.017%; no homozygotes.

Submissions (3):

GeneDx
Classification: Uncertain significance. Last evaluated: 2025-10-15. Review status: criteria provided, single submitter. Criteria: GeneDx Variant Classification Process June 2021. Collection method: clinical testing. Allele origin: germline.
Comment: Not observed at significant frequency in large population cohorts (gnomAD); In silico analysis suggests that this missense variant does not alter protein structure/function; Has not been previously published as pathogenic or benign to our knowledge

Ambry Genetics
Classification: Uncertain significance for Cardiovascular phenotype. Last evaluated: 2023-12-14. Review status: criteria provided, single submitter. Criteria: Ambry Variant Classification Scheme 2023. Collection method: clinical testing. Allele origin: germline.
Comment: The p.R2205S variant (also known as c.6615G>C), located in coding exon 8 of the ALMS1 gene, results from a G to C substitution at nucleotide position 6615. The arginine at codon 2205 is replaced by serine, an amino acid with dissimilar properties. This amino acid position is not well conserved in available vertebrate species. In addition, the in silico prediction for this alteration is inconclusive. Since supporting evidence is limited at this time, the clinical significance of this alteration remains unclear.

Labcorp Genetics (formerly Invitae), Labcorp
Classification: Uncertain significance for Alstrom syndrome. Last evaluated: 2023-12-07. Review status: criteria provided, single submitter. Criteria: Invitae Variant Classification Sherloc (09022015). Collection method: clinical testing. Allele origin: germline.
Comment: This sequence change replaces arginine, which is basic and polar, with serine, which is neutral and polar, at codon 2205 of the ALMS1 protein (p.Arg2205Ser). This variant is present in population databases (rs758379924, gnomAD 0.003%). This variant has not been reported in the literature in individuals affected with ALMS1-related conditions. ClinVar contains an entry for this variant (Variation ID: 1494805). Experimental studies and prediction algorithms are not available or were not evaluated, and the functional significance of this variant is currently unknown. In summary, the available evidence is currently insufficient to determine the role of this variant in disease. Therefore, it has been classified as a Variant of Uncertain Significance.